The following is an entry in ClinVar:

ClinVar aggregate classification (germline): Benign (1 of 4 stars; one submission).

Allele frequency attached by ClinVar (database versions not stated): 1000 Genomes Project 30x 0.14350; gnomAD exomes 0.14536; 1000 Genomes Project 0.14597; TOPMed 0.14808; gnomAD 0.14820 and 0.14869; ESP Exome Variant Server 0.15351.

Submission:

GeneDx
Classification: Benign. Last evaluated: 2018-06-18. Review status: criteria provided, single submitter. Criteria: GeneDx Variant Classification (06012015). Collection method: clinical testing. Allele origin: germline. Affected: yes.
Comment: This variant is considered likely benign or benign based on one or more of the following criteria: it is a conservative change, it occurs at a poorly conserved position in the protein, it is predicted to be benign by multiple in silico algorithms, and/or has population frequency not consistent with disease.

NM_000393.5(COL5A2):c.1717-76del

Gene: COL5A2 (collagen type V alpha 2 chain; minus strand). Cytogenetic location: 2q32.2.
Variant type: Deletion.
Coding change: c.1717-76del on transcript NM_000393.5 (MANE Select); 76 bases into the intron before coding-DNA position 1717, one base deleted (C; older notation c.1717-76delC).
Molecular consequence: intron variant.
Genome position (GRCh38, 1-based): chr2:189,064,109, G deleted on the plus strand (C on the coding strand, the reverse complement: COL5A2 is on the minus strand). VCF-style (leftmost placement, unchanged base first): chr2-189064108-TG-T. GRCh37 (hg19) VCF-style: chr2-189928834-TG-T.
Identifiers: ClinVar variation 673134 (VCV000673134.1), dbSNP rs74497802, ClinGen allele CA62601424.